The following is an entry in ClinVar:

NM_000368.5(TSC1):c.1955_1958delinsGCGC (p.Leu652_Ile653delinsArgAla)

Gene: TSC1 (TSC complex subunit 1; minus strand). Cytogenetic location: 9q34.13.
Variant type: Indel.
Coding change: c.1955_1958delinsGCGC on transcript NM_000368.5 (MANE Select); coding-DNA positions 1955 to 1958, TGAT replaced by GCGC.
Protein change: p.Leu652_Ile653delinsArgAla.
Molecular consequence: missense variant. On other transcripts: non-coding transcript variant (5).
Genome position (GRCh38, 1-based): chr9:132,905,620-132,905,623, ATCA replaced by GCGC on the plus strand (TGAT replaced by GCGC on the coding strand, the reverse complement: TSC1 is on the minus strand). VCF-style: chr9-132905620-ATCA-GCGC. GRCh37 (hg19) VCF-style: chr9-135781007-ATCA-GCGC.
Other names: c.1955_1958delTGATinsGCGC, p.Leu652_Ile653delinsArgAla (NM_000368.4); c.1952_1955delinsGCGC, p.Leu651_Ile652delinsArgAla (NM_001162426.2, NM_001406597.1, NM_001406598.1 and 6 more transcripts); c.1802_1805delinsGCGC, p.Leu601_Ile602delinsArgAla (NM_001162427.2, NM_001406610.1); c.1592_1595delinsGCGC, p.Leu531_Ile532delinsArgAla (NM_001362177.2, NM_001406614.1, NM_001406615.1 and 5 more transcripts); c.1955_1958delinsGCGC, p.Leu652_Ile653delinsArgAla (NM_001406592.1, NM_001406593.1, NM_001406594.1 and 7 more transcripts); c.1799_1802delinsGCGC, p.Leu600_Ile601delinsArgAla (NM_001406611.1, NM_001406612.1, NM_001406613.1); c.1589_1592delinsGCGC, p.Leu530_Ile531delinsArgAla (NM_001406620.1, NM_001406621.1, NM_001406622.1 and 2 more transcripts); c.1004_1007delinsGCGC, p.Leu335_Ile336delinsArgAla (NM_001406626.1); and 3 more.
Identifiers: ClinVar variation 3647415 (VCV003647415.3).

ClinVar aggregate classification (germline): Uncertain significance. Review status: criteria provided, multiple submitters, no conflicts (2 of 4 stars). 2 submissions from 2 submitters: Uncertain significance (2). Last evaluated 2024-10-08.

Conditions:
Tuberous sclerosis 1 (TSC1). Identifiers: Orphanet 805, MedGen C1854465, MONDO:0008612, OMIM 191100.

Submissions (2):

GeneDx
Classification: Uncertain significance. Last evaluated: 2024-10-08. Review status: criteria provided, single submitter. Criteria: GeneDx Variant Classification Process June 2021. Collection method: clinical testing. Allele origin: germline. Affected: yes.
Comment: Not observed at significant frequency in large population cohorts (gnomAD); In silico analysis indicates that this variant does not alter protein structure/function; Has not been previously published as pathogenic or benign to our knowledge.

Labcorp Genetics (formerly Invitae), Labcorp
Classification: Uncertain significance for Tuberous sclerosis 1. Last evaluated: 2024-03-24. Review status: criteria provided, single submitter. Criteria: Invitae Variant Classification Sherloc (09022015). Collection method: clinical testing. Allele origin: germline.
Comment: This variant, c.1955_1958delinsGCGC, is a complex sequence change that results in the deletion of 2 and insertion of 2 amino acid(s) in the TSC1 protein (p.Leu652_Ile653delinsArgAla). Information on the frequency of this variant in the gnomAD database is not available, as this variant may be reported differently in the database. This variant has not been reported in the literature in individuals affected with TSC1-related conditions. Experimental studies and prediction algorithms are not available or were not evaluated, and the functional significance of this variant is currently unknown. In summary, the available evidence is currently insufficient to determine the role of this variant in disease. Therefore, it has been classified as a Variant of Uncertain Significance.